The following is an entry in ClinVar:

NM_001130009.3(GEN1):c.1907C>T (p.Ser636Leu)

Gene: GEN1 (GEN1 Holliday junction 5' flap endonuclease; plus strand). Cytogenetic location: 2p24.2.
Variant type: single nucleotide variant.
Coding change: c.1907C>T on transcript NM_001130009.3 (MANE Select); coding-DNA position 1907, C replaced by T.
Protein change: p.Ser636Leu; replaces serine 636 with leucine.
Molecular consequence: missense variant.
Genome position (GRCh38, 1-based): chr2:17,781,119, C>T. VCF-style: chr2-17781119-C-T. GRCh37 (hg19) VCF-style: chr2-17962386-C-T.
Other names: c.1907C>T, p.Ser636Leu (NM_182625.5); short protein forms S636L.
Identifiers: ClinVar variation 4029232 (VCV004029232.1).
Genomic context (GRCh38, chr2:17,781,119, plus strand): 5'-CAGAGCTATCAGCCATCCCTGATGGCTTTGAAAATATCCCAGAACAACTGTCCTGTGAAT[C>T]AGAAAGGTACACTGCAAACATAAAGAAAGTGTTGGATGAGGATTCTGATGGGATTAGTCC-3'
Protein context (NP_001123481.3, residues 626-646): ENIPEQLSCE[Ser636Leu]ERYTANIKKV

ClinVar aggregate classification (germline): Uncertain significance (1 of 4 stars; one submission).

gnomAD v4.1: 18 of 1,613,668 alleles (0.0011%); highest among the groups gnomAD compares: Non-Finnish European, 0.0015%; no homozygotes.

Submission:

Ambry Genetics
Classification: Uncertain significance. Last evaluated: 2025-04-17. Review status: criteria provided, single submitter. Criteria: Ambry Variant Classification Scheme 2023. Collection method: clinical testing. Allele origin: germline.
Comment: The p.S636L variant (also known as c.1907C>T), located in coding exon 13 of the GEN1 gene, results from a C to T substitution at nucleotide position 1907. The serine at codon 636 is replaced by leucine, an amino acid with dissimilar properties. This amino acid position is conserved. In addition, this alteration is predicted to be tolerated by in silico analysis. Based on the available evidence, the clinical significance of this variant remains unclear.